The following is an entry in ClinVar:

NM_181471.3(RFC2):c.696G>A (p.Ala232=)

Gene: RFC2 (replication factor C subunit 2; minus strand). Cytogenetic location: 7q11.23.
Variant type: single nucleotide variant.
Coding change: c.696G>A on transcript NM_181471.3 (MANE Select); coding-DNA position 696, G replaced by A.
Protein change: p.Ala232=; no amino-acid change (alanine 232 retained).
Molecular consequence: synonymous variant.
Genome position (GRCh38, 1-based): chr7:74,238,986, C>T on the plus strand (G>A on the coding strand, the complement: RFC2 is on the minus strand). VCF-style: chr7-74238986-C-T. GRCh37 (hg19) VCF-style: chr7-73653316-C-T.
Other names: c.393G>A, p.Ala131= (NM_001278791.2); c.387G>A, p.Ala129= (NM_001278792.2); c.291G>A, p.Ala97= (NM_001278793.2); c.594G>A, p.Ala198= (NM_002914.5).
Identifiers: ClinVar variation 4875501 (VCV004875501.2).

ClinVar aggregate classification (germline): Likely benign (1 of 4 stars; one submission).

gnomAD v4.1: 151 of 1,613,436 alleles (0.0094%); highest among the groups gnomAD compares: East Asian, 0.06%; no homozygotes.

Submission:

CeGaT Center for Human Genetics Tuebingen
Classification: Likely benign. Last evaluated: 2026-04-01. Review status: criteria provided, single submitter. Criteria: CeGaT Center For Human Genetics Tuebingen Variant Classification Criteria Version 2. Collection method: clinical testing. Allele origin: germline. Affected: yes. Observed: 1 variant allele.
Comment: RFC2: BP4, BP7